The following is an entry in ClinVar:

NM_138477.4(CDAN1):c.2744_2767del (p.Leu915_Leu922del)

Gene: CDAN1 (codanin 1; minus strand). Cytogenetic location: 15q15.2.
Variant type: Deletion.
Coding change: c.2744_2767del on transcript NM_138477.4 (MANE Select); coding-DNA positions 2744 to 2767, 24 bases deleted (TGGAGATCTTGTGTTCCCAGCTGT).
Protein change: p.Leu915_Leu922del.
Molecular consequence: inframe deletion.
Genome position (GRCh38, 1-based): chr15:42,728,689-42,728,712, ACAGCTGGGAACACAAGATCTCCA deleted on the plus strand (TGGAGATCTTGTGTTCCCAGCTGT on the coding strand, the reverse complement: CDAN1 is on the minus strand); deleting any 24 consecutive bases within chr15:42,728,689-42,728,721 gives the same sequence; the c. name uses the placement nearest the transcript's 3' end. VCF-style (leftmost placement, unchanged base first): chr15-42728688-CACAGCTGGGAACACAAGATCTCCA-C. GRCh37 (hg19) VCF-style: chr15-43020886-CACAGCTGGGAACACAAGATCTCCA-C.
Identifiers: ClinVar variation 4697883 (VCV004697883.1).

ClinVar aggregate classification (germline): Uncertain significance (1 of 4 stars; one submission).

Submission:

Labcorp Genetics (formerly Invitae), Labcorp
Classification: Uncertain significance. Last evaluated: 2025-11-27. Review status: criteria provided, single submitter. Criteria: Invitae Variant Classification Sherloc (09022015). Collection method: clinical testing. Allele origin: germline.
Comment: This variant, c.2744_2767del, results in the deletion of 8 amino acid(s) of the CDAN1 protein (p.Leu915_Leu922del), but otherwise preserves the integrity of the reading frame. This variant is present in population databases (no rsID available, gnomAD 0.0009%). This variant has been observed in individual(s) with CDAN1-related conditions (PMID: 32518175). Experimental studies and prediction algorithms are not available or were not evaluated, and the functional significance of this variant is currently unknown. In summary, the available evidence is currently insufficient to determine the role of this variant in disease. Therefore, it has been classified as a Variant of Uncertain Significance.

Literature cited by the submitters: PubMed 32518175.